The following is an entry in ClinVar:

NM_003482.4(KMT2D):c.673+1del

Gene: KMT2D (lysine methyltransferase 2D; minus strand). Cytogenetic location: 12q13.12.
Variant type: Deletion.
Coding change: c.673+1del on transcript NM_003482.4 (MANE Select); the canonical splice donor site of the intron after coding-DNA position 673, one base deleted (G; older notation c.673+1delG).
Molecular consequence: splice donor variant.
Genome position (GRCh38, 1-based): chr12:49,053,977, C deleted on the plus strand (G on the coding strand, the reverse complement: KMT2D is on the minus strand); the first of 3 consecutive C bases (chr12:49,053,977-49,053,979); deleting any one gives the same sequence. VCF-style (leftmost placement, unchanged base first): chr12-49053976-AC-A. GRCh37 (hg19) VCF-style: chr12-49447759-AC-A.
Identifiers: ClinVar variation 1460377 (VCV001460377.6), dbSNP rs2120702721, ClinGen allele CA2573148694.
Genomic context (GRCh38, chr12:49,053,976, plus strand): 5'-CAAAAATCCAAGGCACATTTGGTCTCTCATTTGCCCTATGACCAAAGATCAGGACTTCTC[AC>A]CCAGATATGCAGCCCCCTCACTGTGCTCTGGGCATAGCAGCTGCAGTGTTTTCATGGATA-3'

ClinVar aggregate classification (germline): Pathogenic (1 of 4 stars; one submission).

Conditions:
Kabuki syndrome. Also called: Kabuki make-up syndrome; NIIKAWA-KUROKI SYNDROME. Identifiers: Orphanet 2322, MedGen C0796004, MONDO:0016512.

Submission:

Labcorp Genetics (formerly Invitae), Labcorp
Classification: Pathogenic for Kabuki syndrome. Last evaluated: 2021-09-09. Review status: criteria provided, single submitter. Criteria: Invitae Variant Classification Sherloc (09022015). Collection method: clinical testing. Allele origin: germline.
Comment: This variant is not present in population databases (ExAC no frequency). This variant has not been reported in the literature in individuals affected with KMT2D-related conditions. For these reasons, this variant has been classified as Pathogenic. This sequence change creates a premature translational stop signal (p.Glu225Argfs*36) in the KMT2D gene. It is expected to result in an absent or disrupted protein product. Loss-of-function variants in KMT2D are known to be pathogenic (PMID: 22126750).

Literature cited by the submitters: PubMed 22126750.